The following is an entry in ClinVar:

ClinVar aggregate classification (germline): Pathogenic. Review status: criteria provided, multiple submitters, no conflicts (2 of 4 stars). 2 submissions from 2 submitters: Pathogenic (2). Last evaluated 2019-05-28.

Conditions:
Developmental and epileptic encephalopathy 94 (DEE94). Also called: CHD2-Related Neurodevelopmental Disorders; Epileptic encephalopathy, childhood-onset. Identifiers: Orphanet 1942, Orphanet 2382, MedGen C3809278, MONDO:0014150, OMIM 615369.

Submissions (2):

Mendelics
Classification: Pathogenic for Developmental and epileptic encephalopathy 94. Last evaluated: 2019-05-28. Review status: criteria provided, single submitter. Criteria: Mendelics Assertion Criteria 2017. Collection method: clinical testing. Allele origin: unknown.

GeneDx
Classification: Pathogenic. Last evaluated: 2016-10-18. Review status: criteria provided, single submitter. Criteria: GeneDx Variant Classification (06012015). Collection method: clinical testing. Allele origin: germline. Affected: yes.
Comment: The R1072X pathogenic variant in the CHD2 gene has not been reported previously as a pathogenic variant nor as a benign variant, to our knowledge. This variant is predicted to cause loss of normal protein function either through protein truncation or nonsense-mediated mRNA decay. The R1072X variant was not observed in approximately 6500 individuals of European and African American ancestry in the NHLBI Exome Sequencing Project, indicating it is not a common benign variant in these populations. We interpret R1072X as a pathogenic variant.

NM_001271.4(CHD2):c.3214C>T (p.Arg1072Ter)

Gene: CHD2 (chromodomain helicase DNA binding protein 2; plus strand). Cytogenetic location: 15q26.1.
Variant type: single nucleotide variant.
Coding change: c.3214C>T on transcript NM_001271.4 (MANE Select); coding-DNA position 3214, C replaced by T.
Protein change: p.Arg1072Ter; replaces arginine 1072 with a stop codon.
Molecular consequence: nonsense.
Genome position (GRCh38, 1-based): chr15:92,984,477, C>T. VCF-style: chr15-92984477-C-T. GRCh37 (hg19) VCF-style: chr15-93527707-C-T.
Other names: short protein forms R1072*.
Identifiers: ClinVar variation 280930 (VCV000280930.3), dbSNP rs767106034, ClinGen allele CA10603359.
Genomic context (GRCh38, chr15:92,984,477, plus strand): 5'-AGGAAAAAAGTAGAGGAGGAAGAGCGGCAGAAGGAGCTAGAAGAAATTTATATGCTGCCT[C>T]GAATTCGGAGTTCCACTAAAAAGGTGATCAAGTGAGATGAAAGATATGAAATTATTTCTT-3'